The following is an entry in ClinVar:

ClinVar aggregate classification (germline): Uncertain significance (1 of 4 stars; one submission).

Conditions:
Mendelian susceptibility to mycobacterial diseases due to complete IL12RB1 deficiency. Also called: IL12RB1 DEFICIENCY; Immunodeficiency 30. Identifiers: Orphanet 319552, MedGen C4013949, MONDO:0013955, OMIM 614891.

Allele frequency attached by ClinVar (database versions not stated): gnomAD exomes 0.00001 and 0.00005; TOPMed 0.00012; gnomAD 0.00016.
gnomAD v4.1: 37 of 1,613,076 alleles (0.0023%); highest among the groups gnomAD compares: Admixed American, 0.058%; 1 homozygote.

Submission:

Labcorp Genetics (formerly Invitae), Labcorp
Classification: Uncertain significance for Mendelian susceptibility to mycobacterial diseases due to complete IL12RB1 deficiency. Last evaluated: 2022-10-17. Review status: criteria provided, single submitter. Criteria: Invitae Variant Classification Sherloc (09022015). Collection method: clinical testing. Allele origin: germline.
Comment: In summary, the available evidence is currently insufficient to determine the role of this variant in disease. Therefore, it has been classified as a Variant of Uncertain Significance. Advanced modeling of protein sequence and biophysical properties (such as structural, functional, and spatial information, amino acid conservation, physicochemical variation, residue mobility, and thermodynamic stability) performed at Invitae indicates that this missense variant is not expected to disrupt IL12RB1 protein function. ClinVar contains an entry for this variant (Variation ID: 963019). This variant has not been reported in the literature in individuals affected with IL12RB1-related conditions. This variant is present in population databases (no rsID available, gnomAD 0.04%). This sequence change replaces threonine, which is neutral and polar, with isoleucine, which is neutral and non-polar, at codon 70 of the IL12RB1 protein (p.Thr70Ile).

NM_005535.3(IL12RB1):c.209C>T (p.Thr70Ile)

Gene: IL12RB1 (interleukin 12 receptor subunit beta 1; minus strand). Cytogenetic location: 19p13.11.
Variant type: single nucleotide variant.
Coding change: c.209C>T on transcript NM_005535.3 (MANE Select); coding-DNA position 209, C replaced by T.
Protein change: p.Thr70Ile; replaces threonine 70 with isoleucine.
Molecular consequence: missense variant.
Genome position (GRCh38, 1-based): chr19:18,082,180, G>A on the plus strand (C>T on the coding strand, the complement: IL12RB1 is on the minus strand). VCF-style: chr19-18082180-G-A. GRCh37 (hg19) VCF-style: chr19-18192990-G-A.
Other names: c.209C>T, p.Thr70Ile (NM_001290023.2, NM_153701.3); c.329C>T, p.Thr110Ile (NM_001290024.2); short protein forms T110I, T70I.
Identifiers: ClinVar variation 963019 (VCV000963019.9), dbSNP rs950913087, ClinGen allele CA306137442.
Genomic context (GRCh38, chr19:18,082,180, plus strand): 5'-AGGGTTTGGGAATGGTAGAGGGGTCCTCACCAACACCGCAGGAAGTGGCTGACCCCAGCT[G>A]TGGGACCCTCATACTGCCAGGAGCACTCGTAACGATCACTGGATATCCGATAGCATCTCA-3'
Protein context (NP_005526.1, residues 60-80): YECSWQYEGP[Thr70Ile]AGVSHFLRCC